The following is an entry in ClinVar:

NM_001042492.3(NF1):c.6456T>C (p.Ser2152=)

Gene: NF1 (neurofibromin 1; plus strand). Cytogenetic location: 17q11.2.
Variant type: single nucleotide variant.
Coding change: c.6456T>C on transcript NM_001042492.3 (MANE Select); coding-DNA position 6456, T replaced by C.
Protein change: p.Ser2152=; no amino-acid change (serine 2152 retained).
Molecular consequence: synonymous variant.
Genome position (GRCh38, 1-based): chr17:31,337,396, T>C. VCF-style: chr17-31337396-T-C. GRCh37 (hg19) VCF-style: chr17-29664414-T-C.
Other names: c.6393T>C, p.Ser2131= (NM_000267.4).
Identifiers: ClinVar variation 413005 (VCV000413005.12), dbSNP rs776897972, ClinGen allele CA8487358.

ClinVar aggregate classification (germline): Benign/Likely benign. Review status: criteria provided, multiple submitters, no conflicts (2 of 4 stars). 3 submissions from 3 submitters: Benign (1); Likely benign (2). Last evaluated 2026-08-25.

Conditions:
NF1-related disorder. Also called: NF1-related condition. Identifiers: MedGen CN379171.
Neurofibromatosis, type 1 (NF1). Also called: Neurofibromatosis, type I; VON RECKLINGHAUSEN DISEASE; Peripheral type neurofibromatosis; NEUROFIBROMATOSIS, TYPE I, SOMATIC. Identifiers: Orphanet 636, MedGen C0027831, MONDO:0018975, OMIM 162200. Disease mechanism: loss of function.

Allele frequency attached by ClinVar (database versions not stated): gnomAD exomes below 0.00001 and 0.00002; TOPMed below 0.00001; ExAC 0.00002.
gnomAD v4.1: 2 of 1,614,132 alleles (0.00012%); highest among the groups gnomAD compares: East Asian, 0.0045%; no homozygotes.

Submissions (3):

PreventionGenetics, part of Exact Sciences
Classification: Likely benign for NF1-related condition. Last evaluated: 2026-08-25. Review status: criteria provided, single submitter. Criteria: ACMG Guidelines, 2015. Collection method: clinical testing. Allele origin: germline.
Comment: This variant is classified as likely benign based on ACMG/AMP sequence variant interpretation guidelines (Richards et al. 2015 PMID: 25741868, with internal and published modifications).

Myriad Genetics, Inc.
Classification: Benign for Neurofibromatosis, type 1. Last evaluated: 2026-05-21. Review status: criteria provided, single submitter. Criteria: Myriad Autosomal Dominant, Autosomal Recessive and X-Linked Classification Criteria (2023). Collection method: clinical testing. Allele origin: unknown.
Comment: This variant is considered benign. This variant is a silent/synonymous amino acid change and it is not expected to impact splicing.

Labcorp Genetics (formerly Invitae), Labcorp
Classification: Likely benign for Neurofibromatosis, type 1. Last evaluated: 2025-12-21. Review status: criteria provided, single submitter. Criteria: Invitae Variant Classification Sherloc (09022015). Collection method: clinical testing. Allele origin: germline.